The following is an entry in ClinVar:

ClinVar aggregate classification (germline): Uncertain significance (1 of 4 stars; one submission).

Conditions:
Nemaline myopathy 5 (NEM5A). Also called: Nemaline myopathy 5, Amish type; NEMALINE MYOPATHY 5A, AUTOSOMAL RECESSIVE, SEVERE INFANTILE; NEMALINE MYOPATHY, AMISH TYPE. Identifiers: Orphanet 98902, MedGen C1854380, MONDO:0011539, OMIM 605355.

Allele frequency attached by ClinVar (database versions not stated): gnomAD 0.00001; gnomAD exomes 0.00001.
gnomAD v4.1: 14 of 1,613,482 alleles (0.00087%); highest among the groups gnomAD compares: Non-Finnish European, 0.0012%; no homozygotes.

Submission:

Labcorp Genetics (formerly Invitae), Labcorp
Classification: Uncertain significance for Nemaline myopathy 5. Last evaluated: 2022-03-18. Review status: criteria provided, single submitter. Criteria: Invitae Variant Classification Sherloc (09022015). Collection method: clinical testing. Allele origin: germline.
Comment: This sequence change replaces isoleucine, which is neutral and non-polar, with threonine, which is neutral and polar, at codon 103 of the TNNT1 protein (p.Ile103Thr). This variant is not present in population databases (gnomAD no frequency). This variant has not been reported in the literature in individuals affected with TNNT1-related conditions. ClinVar contains an entry for this variant (Variation ID: 940599). Algorithms developed to predict the effect of missense changes on protein structure and function are either unavailable or do not agree on the potential impact of this missense change (SIFT: "Tolerated"; PolyPhen-2: "Probably Damaging"; Align-GVGD: "Class C0"). In summary, the available evidence is currently insufficient to determine the role of this variant in disease. Therefore, it has been classified as a Variant of Uncertain Significance.

NM_003283.6(TNNT1):c.308T>C (p.Ile103Thr)

Gene: TNNT1 (troponin T1, slow skeletal type; minus strand). Cytogenetic location: 19q13.42.
Variant type: single nucleotide variant.
Coding change: c.308T>C on transcript NM_003283.6 (MANE Select); coding-DNA position 308, T replaced by C.
Protein change: p.Ile103Thr; replaces isoleucine 103 with threonine.
Molecular consequence: missense variant.
Genome position (GRCh38, 1-based): chr19:55,141,187, A>G on the plus strand (T>C on the coding strand, the complement: TNNT1 is on the minus strand). VCF-style: chr19-55141187-A-G. GRCh37 (hg19) VCF-style: chr19-55652555-A-G.
Other names: c.308T>C, p.Ile103Thr (NM_001126132.3); c.275T>C, p.Ile92Thr (NM_001126133.3, NM_001291774.2); short protein forms I92T, I103T.
Identifiers: ClinVar variation 940599 (VCV000940599.7), dbSNP rs1050413432, ClinGen allele CA310135000.